The following is an entry in ClinVar:

ClinVar aggregate classification (germline): Likely benign (1 of 4 stars; one submission).

Allele frequency attached by ClinVar (database versions not stated): 1000 Genomes Project 30x 0.00109; 1000 Genomes Project 0.00120; TOPMed 0.00342; gnomAD 0.00366; ExAC 0.00370; ESP Exome Variant Server 0.00377.
gnomAD v4.1: 7,907 of 1,613,974 alleles (0.49%); highest among the groups gnomAD compares: Non-Finnish European, 0.58%; 24 homozygotes.

Submission:

CeGaT Center for Human Genetics Tuebingen
Classification: Likely benign. Last evaluated: 2023-04-01. Review status: criteria provided, single submitter. Criteria: CeGaT Center For Human Genetics Tuebingen Variant Classification Criteria Version 2. Collection method: clinical testing. Allele origin: germline. Affected: yes. Observed: 1 variant allele.
Comment: DOCK9: BP4, BP7

NM_001366683.2(DOCK9):c.1293G>A (p.Thr431=)

Genes: DOCK9 (dedicator of cytokinesis 9; minus strand), LOC126861822 (BRD4-independent group 4 enhancer GRCh37_chr13:99553940-99555139; plus strand). Cytogenetic location: 13q32.3.
Variant type: single nucleotide variant.
Coding change: c.1293G>A on transcript NM_001366683.2 (MANE Select); coding-DNA position 1293, G replaced by A.
Protein change: p.Thr431=; no amino-acid change (threonine 431 retained).
Molecular consequence: synonymous variant.
Genome position (GRCh38, 1-based): chr13:98,902,375, C>T on the plus strand (G>A on the coding strand, the complement: DOCK9 is on the minus strand). VCF-style: chr13-98902375-C-T. GRCh37 (hg19) VCF-style: chr13-99554629-C-T.
Other names: c.1293G>A, p.Thr431= (NM_001130048.2, NM_001130050.2, NM_001366679.2 and 4 more transcripts); c.1296G>A, p.Thr432= (NM_001130049.2, NM_001318849.2, NM_015296.3); c.1329G>A, p.Thr443= (NM_001366676.2, NM_001366677.2, NM_001366678.2).
Identifiers: ClinVar variation 2643888 (VCV002643888.24), dbSNP rs142267943, ClinGen allele CA7030110.